The following is an entry in ClinVar:

ClinVar aggregate classification (germline): Uncertain significance (1 of 4 stars; one submission).

Conditions:
Early-infantile DEE. Also called: Early infantile epileptic encephalopathy; Ohtahara syndrome; Early infantile epileptic encephalopathy with suppression bursts. Identifiers: Orphanet 1934, MedGen C0393706, MONDO:0800491.

Submission:

Labcorp Genetics (formerly Invitae), Labcorp
Classification: Uncertain significance for Early-infantile DEE. Last evaluated: 2022-08-22. Review status: criteria provided, single submitter. Criteria: Invitae Variant Classification Sherloc (09022015). Collection method: clinical testing. Allele origin: germline.
Comment: ClinVar contains an entry for this variant (Variation ID: 662926). This variant has not been reported in the literature in individuals affected with SCN1A-related conditions. This variant is not present in population databases (gnomAD no frequency). This sequence change replaces lysine, which is basic and polar, with glutamic acid, which is acidic and polar, at codon 871 of the SCN1A protein (p.Lys871Glu). Advanced modeling of protein sequence and biophysical properties (such as structural, functional, and spatial information, amino acid conservation, physicochemical variation, residue mobility, and thermodynamic stability) performed at Invitae indicates that this missense variant is expected to disrupt SCN1A protein function. In summary, the available evidence is currently insufficient to determine the role of this variant in disease. Therefore, it has been classified as a Variant of Uncertain Significance.

NM_001165963.4(SCN1A):c.2611A>G (p.Lys871Glu)

Gene: SCN1A (sodium voltage-gated channel alpha subunit 1; minus strand). Cytogenetic location: 2q24.3.
Variant type: single nucleotide variant.
Coding change: c.2611A>G on transcript NM_001165963.4 (MANE Select); coding-DNA position 2611, A replaced by G.
Protein change: p.Lys871Glu; replaces lysine 871 with glutamic acid.
Molecular consequence: missense variant. On other transcripts: non-coding transcript variant (1).
Genome position (GRCh38, 1-based): chr2:166,038,111, T>C on the plus strand (A>G on the coding strand, the complement: SCN1A is on the minus strand). VCF-style: chr2-166038111-T-C. GRCh37 (hg19) VCF-style: chr2-166894621-T-C.
Other names: c.2527A>G, p.Lys843Glu (NM_001165964.3, NM_001353957.2, NM_001353958.2); c.2611A>G, p.Lys871Glu (NM_001202435.3, NM_001353948.2); c.2578A>G, p.Lys860Glu (NM_001353949.2, NM_001353950.2, NM_001353951.2 and 2 more transcripts); c.2575A>G, p.Lys859Glu (NM_001353954.2, NM_001353955.2); c.2524A>G, p.Lys842Glu (NM_001353960.2); c.169A>G, p.Lys57Glu (NM_001353961.2); short protein forms K859E, K843E, K871E, K57E, K842E, K860E.
Identifiers: ClinVar variation 662926 (VCV000662926.9), dbSNP rs1553541525, ClinGen allele CA349061756.
Genomic context (GRCh38, chr2:166,038,111, plus strand): 5'-CCAGAGCCCCCACGGAATTGCCGATGATCTTTATTAGCATATTTAACGTTGGCCAAGATT[T>C]TGCCAACTTGAAAACTCGCAGCTGGAAAATGAAAGATTAATATATATTTGTATGATTCTT-3'
Protein context (NP_001159435.1, residues 861-881): FRLLRVFKLA[Lys871Glu]SWPTLNMLIK